The following is an entry in ClinVar:

ClinVar aggregate classification (germline): Uncertain significance. Review status: criteria provided, single submitter (1 of 4 stars). 2 submissions from 2 submitters: Uncertain significance (1). 1 of the submissions does not count toward it. Last evaluated 2021-08-31.

Conditions:
Glycine encephalopathy. Also called: Nonketotic hyperglycinemia; Non-ketotic hyperglycinemia. Identifiers: Orphanet 407, MedGen C0751748, MONDO:0011612, HP:0008288.

Allele frequency attached by ClinVar (database versions not stated): TOPMed 0.00002.
gnomAD v4.1: 17 of 1,613,012 alleles (0.0011%); highest among the groups gnomAD compares: African/African-American, 0.0013%; no homozygotes.

Submissions (2):

Labcorp Genetics (formerly Invitae), Labcorp
Classification: Uncertain significance for Glycine encephalopathy. Last evaluated: 2021-08-31. Review status: criteria provided, single submitter. Criteria: Invitae Variant Classification Sherloc (09022015). Collection method: clinical testing. Allele origin: germline.
Comment: This sequence change replaces threonine with isoleucine at codon 846 of the GLDC protein (p.Thr846Ile). The threonine residue is weakly conserved and there is a moderate physicochemical difference between threonine and isoleucine. This variant is not present in population databases (ExAC no frequency). This variant has not been reported in the literature in individuals affected with GLDC-related conditions. Algorithms developed to predict the effect of missense changes on protein structure and function (SIFT, PolyPhen-2, Align-GVGD) all suggest that this variant is likely to be tolerated. In summary, the available evidence is currently insufficient to determine the role of this variant in disease. Therefore, it has been classified as a Variant of Uncertain Significance.

Natera, Inc.
Classification: Uncertain significance for Non-ketotic hyperglycinemia. Last evaluated: 2019-10-28. Review status: no assertion criteria provided. Collection method: clinical testing. Allele origin: germline. Not counted in ClinVar's aggregate classification.

NM_000170.3(GLDC):c.2537C>T (p.Thr846Ile)

Gene: GLDC (glycine decarboxylase; minus strand). Cytogenetic location: 9p24.1.
Variant type: single nucleotide variant.
Coding change: c.2537C>T on transcript NM_000170.3 (MANE Select); coding-DNA position 2537, C replaced by T.
Protein change: p.Thr846Ile; replaces threonine 846 with isoleucine.
Molecular consequence: missense variant.
Genome position (GRCh38, 1-based): chr9:6,550,835, G>A on the plus strand (C>T on the coding strand, the complement: GLDC is on the minus strand). VCF-style: chr9-6550835-G-A. GRCh37 (hg19) VCF-style: chr9-6550835-G-A.
Other names: short protein forms T846I.
Identifiers: ClinVar variation 462876 (VCV000462876.5), dbSNP rs747336541, ClinGen allele CA372875927.
Genomic context (GRCh38, chr9:6,550,835, plus strand): 5'-GTAATGATAGATTAAAGTTGATACTTGCCTCTTGCACCCCTGAAAAGAATTCTGTAGTGT[G>A]TTTCTAATCGCTTGGCCATGTAGTTGGCATTTAATATCGCAGTTTCCGTGGCTTGTTTAA-3'
Protein context (NP_000161.2, residues 836-856): NANYMAKRLE[Thr846Ile]HYRILFRGAR